The following is an entry in ClinVar:

ClinVar aggregate classification (germline): Pathogenic (1 of 4 stars; one submission).

Submission:

GeneDx
Classification: Pathogenic. Last evaluated: 2016-03-02. Review status: criteria provided, single submitter. Criteria: GeneDx Variant Classification (06012015). Collection method: clinical testing. Allele origin: germline. Affected: yes.
Comment: The c.8650dupG pathogenic variant in the KMT2D gene has not been reported previously as a pathogenic variant nor as a benign variant, to our knowledge. The c.8650dupG variant causes a frameshift starting with codon Valine 2884, changes this amino acid to a Glycine residue, and creates a premature Stop codon at position 28 of the new reading frame, denoted p.Val2884GlyfsX28. This variant is predicted to cause loss of normal protein function either through protein truncation or nonsense-mediated mRNA decay. The c.8650dupG variant was not observed in approximately 6000 individuals of European and African American ancestry in the NHLBI Exome Sequencing Project, indicating it is not a common benign variant in these populations. We interpret c.8650dupG as a pathogenic variant.

NM_003482.4(KMT2D):c.8650dup (p.Val2884fs)

Gene: KMT2D (lysine methyltransferase 2D; minus strand). Cytogenetic location: 12q13.12.
Variant type: Duplication.
Coding change: c.8650dup on transcript NM_003482.4 (MANE Select); coding-DNA position 8650, one base duplicated (G; older notation c.8650dupG).
Protein change: p.Val2884fs; shifts the reading frame from valine 2884.
Molecular consequence: frameshift variant.
Genome position (GRCh38, 1-based): chr12:49,038,706, C duplicated on the plus strand (G on the coding strand, the reverse complement: KMT2D is on the minus strand). VCF-style (leftmost placement, unchanged base first): chr12-49038705-A-AC. GRCh37 (hg19) VCF-style: chr12-49432488-A-AC.
Other names: c.8650dupG (NM_003482.3); short protein forms V2884fs.
Identifiers: ClinVar variation 280330 (VCV000280330.2), dbSNP rs886041556, ClinGen allele CA10603309.